The following is an entry in ClinVar:

NM_006245.4(PPP2R5D):c.487G>C (p.Val163Leu)

Gene: PPP2R5D (protein phosphatase 2 regulatory subunit B'delta; plus strand). Cytogenetic location: 6p21.1.
Variant type: single nucleotide variant.
Coding change: c.487G>C on transcript NM_006245.4 (MANE Select); coding-DNA position 487, G replaced by C.
Protein change: p.Val163Leu; replaces valine 163 with leucine.
Molecular consequence: missense variant.
Genome position (GRCh38, 1-based): chr6:43,007,075, G>C. VCF-style: chr6-43007075-G-C. GRCh37 (hg19) VCF-style: chr6-42974813-G-C.
Other names: c.34G>C, p.Val12Leu (NM_001270476.2); c.391G>C, p.Val131Leu (NM_180976.3); c.169G>C, p.Val57Leu (NM_180977.3); short protein forms V12L, V131L, V163L, V57L.
Identifiers: ClinVar variation 1721892 (VCV001721892.5), dbSNP rs140136483, ClinGen allele CA364183666.
Genomic context (GRCh38, chr6:43,007,075, plus strand): 5'-GAGGTGAAGCGGGCAGGACTCAACGAGATGGTGGAGTACATCACCCATAGCCGTGATGTT[G>C]TCACTGAGGCCATTTACCCTGAGGCTGTCACCATGGTGGGCACAGGGAAAGGACACAGGG-3'
Protein context (NP_006236.1, residues 153-173): VEYITHSRDV[Val163Leu]TEAIYPEAVT

ClinVar aggregate classification (germline): Uncertain significance (1 of 4 stars; one submission).

Submission:

Labcorp Genetics (formerly Invitae), Labcorp
Classification: Uncertain significance. Last evaluated: 2022-10-19. Review status: criteria provided, single submitter. Criteria: Invitae Variant Classification Sherloc (09022015). Collection method: clinical testing. Allele origin: germline.
Comment: Algorithms developed to predict the effect of missense changes on protein structure and function (SIFT, PolyPhen-2, Align-GVGD) all suggest that this variant is likely to be tolerated. This variant has not been reported in the literature in individuals affected with PPP2R5D-related conditions. This variant is not present in population databases (gnomAD no frequency). This sequence change replaces valine, which is neutral and non-polar, with leucine, which is neutral and non-polar, at codon 163 of the PPP2R5D protein (p.Val163Leu). In summary, the available evidence is currently insufficient to determine the role of this variant in disease. Therefore, it has been classified as a Variant of Uncertain Significance.